The following is an entry in ClinVar:

ClinVar aggregate classification (germline): Benign/Likely benign. Review status: criteria provided, multiple submitters, no conflicts (2 of 4 stars). 8 submissions from 8 submitters: Benign (5); Likely benign (3). Last evaluated 2026-03-24.

Conditions:
Premature ovarian failure 15. Identifiers: MedGen C4748170, MONDO:0054862, OMIM 618096.
Fanconi anemia (FA). Also called: Fanconi's anemia. Identifiers: Orphanet 84, MedGen C0015625, MeSH D005199, MONDO:0019391.

Allele frequency attached by ClinVar (database versions not stated): ESP Exome Variant Server 0.00015; gnomAD exomes 0.00164 and 0.00593; gnomAD 0.00268 and 0.00287; TOPMed 0.00426; ExAC 0.00474; 1000 Genomes Project 0.00499; 1000 Genomes Project 30x 0.00531.
gnomAD v4.1: 2,810 of 1,613,004 alleles (0.17%); highest among the groups gnomAD compares: Admixed American, 2.9%; 39 homozygotes.

Submissions (8):

Dasa
Classification: Benign. Last evaluated: 2026-03-24. Review status: criteria provided, single submitter. Criteria: DASA Assertion Criteria. Collection method: clinical testing. Allele origin: germline.
Comment: NM_020937.4(FANCM):c.2749A>G (p.Ile917Val) is a missense variant that results in the substitution of isoleucine with valine. Population frequency is inconsistent with a disease-causing role for this variant. Therefore, based on the currently available evidence, this variant is classified as benign.

Labcorp Genetics (formerly Invitae), Labcorp
Classification: Benign for Fanconi anemia. Last evaluated: 2026-02-03. Review status: criteria provided, single submitter. Criteria: Invitae Variant Classification Sherloc (09022015). Collection method: clinical testing. Allele origin: germline.

Quest Diagnostics Nichols Institute San Juan Capistrano
Classification: Benign. Last evaluated: 2025-06-13. Review status: criteria provided, single submitter. Criteria: Quest Diagnostics criteria. Collection method: clinical testing. Allele origin: unknown.

Blueprint Genetics
Classification: Likely benign. Last evaluated: 2024-11-27. Review status: criteria provided, single submitter. Criteria: ACMG Guidelines, 2015. Collection method: clinical testing. Allele origin: germline.

KCCC/NGS Laboratory, Kuwait Cancer Control Center
Classification: Benign for Premature ovarian failure 15. Last evaluated: 2023-07-07. Review status: criteria provided, single submitter. Criteria: ACMG Guidelines, 2015. Collection method: clinical testing. Allele origin: germline. Affected: yes.

Genetic Services Laboratory, University of Chicago
Classification: Benign. Last evaluated: 2021-05-19. Review status: criteria provided, single submitter. Criteria: ACMG Guidelines, 2015. Collection method: clinical testing. Allele origin: germline. Affected: no.

Breakthrough Genomics
Classification: Likely benign. Review status: criteria provided, single submitter. Criteria: ACMG Guidelines, 2015. Collection method: not provided. Allele origin: germline. Inheritance: Autosomal recessive inheritance. Affected: yes.

PreventionGenetics, part of Exact Sciences
Classification: Likely benign. Review status: criteria provided, single submitter. Criteria: ACMG Guidelines, 2015. Collection method: clinical testing. Allele origin: germline.

NM_020937.4(FANCM):c.2749A>G (p.Ile917Val)

Gene: FANCM (FA complementation group M; plus strand). Cytogenetic location: 14q21.2.
Variant type: single nucleotide variant.
Coding change: c.2749A>G on transcript NM_020937.4 (MANE Select); coding-DNA position 2749, A replaced by G.
Protein change: p.Ile917Val; replaces isoleucine 917 with valine.
Molecular consequence: missense variant.
Genome position (GRCh38, 1-based): chr14:45,175,503, A>G. VCF-style: chr14-45175503-A-G. GRCh37 (hg19) VCF-style: chr14-45644706-A-G.
Other names: c.2749A>G (LRG_502t1); c.2671A>G, p.Ile891Val (NM_001308133.2); short protein forms I917V, I891V.
Identifiers: ClinVar variation 261384 (VCV000261384.61), dbSNP rs148871932, ClinGen allele CA7169403.